The following is an entry in ClinVar:

NM_000204.5(CFI):c.788G>T (p.Gly263Val)

Gene: CFI (complement factor I; minus strand). Cytogenetic location: 4q25.
Variant type: single nucleotide variant.
Coding change: c.788G>T on transcript NM_000204.5 (MANE Select); coding-DNA position 788, G replaced by T.
Protein change: p.Gly263Val; replaces glycine 263 with valine.
Molecular consequence: missense variant. On other transcripts: non-coding transcript variant (3).
Genome position (GRCh38, 1-based): chr4:109,760,365, C>A on the plus strand (G>T on the coding strand, the complement: CFI is on the minus strand). VCF-style: chr4-109760365-C-A. GRCh37 (hg19) VCF-style: chr4-110681521-C-A.
Other names: c.788G>T, p.Gly263Val (NM_001318057.2, NM_001331035.2, NM_001375278.1 and 5 more transcripts); c.179G>T, p.Gly60Val (NM_001375284.1); short protein forms G263V, G60V.
Identifiers: ClinVar variation 2198820 (VCV002198820.7), dbSNP rs200544168, ClinGen allele CA103695369.
Genomic context (GRCh38, chr4:109,760,365, plus strand): 5'-TCCACCTCACCATTGCATTGATACTGGCTTGGAATGCAAACACCCGATTTGCAATGGAAG[C>A]CTTTGCCTTGGCATGCTGTGCAAACATAAGCAGGAGAGGTTTTTTTCATTCCTTAAAGTT-3'
Protein context (NP_000195.3, residues 253-273): ELCCKACQGK[Gly263Val]FHCKSGVCIP

ClinVar aggregate classification (germline): Uncertain significance. Review status: criteria provided, multiple submitters, no conflicts (2 of 4 stars). 3 submissions from 3 submitters: Uncertain significance (3). Last evaluated 2026-09-17.

Conditions:
Age related macular degeneration 13. Identifiers: MedGen C3809523, MONDO:0014189, OMIM 615439.
Atypical hemolytic-uremic syndrome with I factor anomaly. Also called: HEMOLYTIC UREMIC SYNDROME, ATYPICAL, SUSCEPTIBILITY TO, 3; AHUS, SUSCEPTIBILITY TO, 3. Identifiers: Orphanet 2134, MedGen C2752039, MONDO:0013041, OMIM 612923.
Factor I deficiency (CFID). Also called: Complement factor I deficiency. Identifiers: Orphanet 200418, MedGen C3463916, MONDO:0012594, OMIM 610984.
CFI-related disorder. Also called: CFI-related condition; CFI-related disorders. Identifiers: MedGen CN239325.

Allele frequency attached by ClinVar (database versions not stated): gnomAD 0.00002.
gnomAD v4.1: 17 of 1,613,804 alleles (0.0011%); highest among the groups gnomAD compares: Non-Finnish European, 0.0013%; no homozygotes.

Submissions (3):

Genomenon, Inc
Classification: Uncertain significance for CFI-related disorder. Last evaluated: 2026-09-17. Review status: criteria provided, single submitter. Criteria: Genomenon Sequence Variant Interpretation Standards - Updated. Collection method: curation. Allele origin: germline. Affected: no.
Comment: CFI p.Gly263Val (c.788G>T) is a missense variant that changes the amino acid at codon 263 from Glycine to Valine. This variant has been reported in the published literature (PMID:37478687;35531992;32510551;32908800). It is absent or not present at a significant frequency in gnomAD. In conclusion, we classify CFI p.Gly263Val (c.788G>T) as a variant of uncertain significance.

Labcorp Genetics (formerly Invitae), Labcorp
Classification: Uncertain significance. Last evaluated: 2025-05-17. Review status: criteria provided, single submitter. Criteria: Invitae Variant Classification Sherloc (09022015). Collection method: clinical testing. Allele origin: germline.
Comment: This sequence change replaces glycine, which is neutral and non-polar, with valine, which is neutral and non-polar, at codon 263 of the CFI protein (p.Gly263Val). This variant is present in population databases (rs200544168, gnomAD 0.004%). This missense change has been observed in individual(s) with macular degeneration (PMID: 24036952, 32510551). ClinVar contains an entry for this variant (Variation ID: 2198820). Invitae Evidence Modeling of protein sequence and biophysical properties (such as structural, functional, and spatial information, amino acid conservation, physicochemical variation, residue mobility, and thermodynamic stability) indicates that this missense variant is not expected to disrupt CFI protein function with a negative predictive value of 80%. Experimental studies are conflicting or provide insufficient evidence to determine the effect of this variant on CFI function (PMID: 32510551, 35531992). In summary, the available evidence is currently insufficient to determine the role of this variant in disease. Therefore, it has been classified as a Variant of Uncertain Significance.

Fulgent Genetics
Classification: Uncertain significance for Factor I deficiency; Atypical hemolytic-uremic syndrome with I factor anomaly; Age related macular degeneration 13. Last evaluated: 2024-04-03. Review status: criteria provided, single submitter. Criteria: ACMG Guidelines, 2015. Collection method: clinical testing. Allele origin: germline.

Literature cited by the submitters: PubMed 37478687 (cited by Genomenon, Inc); PubMed 35531992 (cited by Genomenon, Inc and Labcorp Genetics (formerly Invitae), Labcorp); PubMed 32510551 (cited by Genomenon, Inc and Labcorp Genetics (formerly Invitae), Labcorp); PubMed 32908800 (cited by Genomenon, Inc); PubMed 24036952 (cited by Labcorp Genetics (formerly Invitae), Labcorp).